The following is an entry in ClinVar:

NM_000341.4(SLC3A1):c.1098G>C (p.Gln366His)

Gene: SLC3A1 (solute carrier family 3 member 1; plus strand). Cytogenetic location: 2p21.
Variant type: single nucleotide variant.
Coding change: c.1098G>C on transcript NM_000341.4 (MANE Select); coding-DNA position 1098, G replaced by C.
Protein change: p.Gln366His; replaces glutamine 366 with histidine.
Molecular consequence: missense variant.
Genome position (GRCh38, 1-based): chr2:44,301,089, G>C. VCF-style: chr2-44301089-G-C. GRCh37 (hg19) VCF-style: chr2-44528228-G-C.
Other names: short protein forms Q366H.
Identifiers: ClinVar variation 1426911 (VCV001426911.6), dbSNP rs745473969, ClinGen allele CA1640411.

ClinVar aggregate classification (germline): Uncertain significance (1 of 4 stars; one submission).

Conditions:
Cystinuria (CSNU). Also called: CYSTINURIA, TYPE I; CYSTINURIA, TYPE II; CYSTINURIA, TYPE III; Cystinuria, non-type I. Identifiers: Orphanet 214, MedGen C0010691, MONDO:0009067, OMIM 220100, HP:0003131.

Allele frequency attached by ClinVar (database versions not stated): ExAC 0.00001; gnomAD exomes 0.00001; TOPMed 0.00002.
gnomAD v4.1: 26 of 1,613,972 alleles (0.0016%); highest among the groups gnomAD compares: Non-Finnish European, 0.0022%; no homozygotes.

Submission:

Labcorp Genetics (formerly Invitae), Labcorp
Classification: Uncertain significance for Cystinuria. Last evaluated: 2023-10-03. Review status: criteria provided, single submitter. Criteria: Invitae Variant Classification Sherloc (09022015). Collection method: clinical testing. Allele origin: germline.
Comment: This sequence change replaces glutamine, which is neutral and polar, with histidine, which is basic and polar, at codon 366 of the SLC3A1 protein (p.Gln366His). This variant is present in population databases (rs745473969, gnomAD 0.002%). This variant has not been reported in the literature in individuals affected with SLC3A1-related conditions. ClinVar contains an entry for this variant (Variation ID: 1426911). Algorithms developed to predict the effect of missense changes on protein structure and function output the following: SIFT: "Not Available"; PolyPhen-2: "Benign"; Align-GVGD: "Not Available". The histidine amino acid residue is found in multiple mammalian species, which suggests that this missense change does not adversely affect protein function. In summary, the available evidence is currently insufficient to determine the role of this variant in disease. Therefore, it has been classified as a Variant of Uncertain Significance.